The following is an entry in ClinVar:

ClinVar aggregate classification (germline): Uncertain significance (1 of 4 stars; one submission).

Submission:

ISCA Site 6
Classification: Uncertain significance. Last evaluated: 2011-08-12. Review status: criteria provided, single submitter. Criteria: Kaminsky et al. (Genet Med. 2011). Collection method: clinical testing. Allele origin: unknown. Affected: yes. Observed: 1 variant allele.
Comment: Copy number variation identified through the course of routine clinical cytogenomic testing in postnatal populations. Clinical assertions have been curated as described in Kaminsky et al. 2011.

GRCh38/hg38 16p13.11(chr16:14907656-16206199)x3

Genes: ABCC1 (ATP binding cassette subfamily C member 1 (ABCC1 blood group); plus strand), ABCC6 (ATP binding cassette subfamily C member 6; minus strand), BMERB1 (bMERB domain containing 1; plus strand), CEP20 (centrosomal protein 20; minus strand), MARF1 (meiosis regulator and mRNA stability factor 1; minus strand) and 38 more. Cytogenetic location: 16p13.11.
Variant type: copy number gain.
Change: copy number 3 (three copies instead of two) of chr16:14,907,656-16,206,199 (1.30 Mb, GRCh38 coordinates, 1-based), cytogenetic band 16p13.11.
Identifiers: ClinVar variation 57659 (VCV000057659.2).